The following is an entry in ClinVar:

ClinVar aggregate classification (germline): Uncertain significance (1 of 4 stars; one submission).

Conditions:
Kabuki syndrome. Also called: NIIKAWA-KUROKI SYNDROME; Kabuki make-up syndrome. Identifiers: Orphanet 2322, MedGen C0796004, MONDO:0016512.

Submission:

Labcorp Genetics (formerly Invitae), Labcorp
Classification: Uncertain significance for Kabuki syndrome. Last evaluated: 2024-12-12. Review status: criteria provided, single submitter. Criteria: Invitae Variant Classification Sherloc (09022015). Collection method: clinical testing. Allele origin: germline.
Comment: This sequence change replaces methionine, which is neutral and non-polar, with isoleucine, which is neutral and non-polar, at codon 4148 of the KMT2D protein (p.Met4148Ile). This variant is not present in population databases (gnomAD no frequency). This variant has not been reported in the literature in individuals affected with KMT2D-related conditions. Invitae Evidence Modeling of protein sequence and biophysical properties (such as structural, functional, and spatial information, amino acid conservation, physicochemical variation, residue mobility, and thermodynamic stability) indicates that this missense variant is not expected to disrupt KMT2D protein function with a negative predictive value of 95%. In summary, the available evidence is currently insufficient to determine the role of this variant in disease. Therefore, it has been classified as a Variant of Uncertain Significance.

NM_003482.4(KMT2D):c.12444G>A (p.Met4148Ile)

Gene: KMT2D (lysine methyltransferase 2D; minus strand). Cytogenetic location: 12q13.12.
Variant type: single nucleotide variant.
Coding change: c.12444G>A on transcript NM_003482.4 (MANE Select); coding-DNA position 12444, G replaced by A.
Protein change: p.Met4148Ile; replaces methionine 4148 with isoleucine.
Molecular consequence: missense variant.
Genome position (GRCh38, 1-based): chr12:49,032,261, C>T on the plus strand (G>A on the coding strand, the complement: KMT2D is on the minus strand). VCF-style: chr12-49032261-C-T. GRCh37 (hg19) VCF-style: chr12-49426044-C-T.
Other names: short protein forms M4148I.
Identifiers: ClinVar variation 3635110 (VCV003635110.2).
Genomic context (GRCh38, chr12:49,032,261, plus strand): 5'-TGTATTATTTTGCATGGGCCGCTCTAGCATGGGCTGTTGGGGGCCCAGAAGGTTCTGGGT[C>T]ATGGACCCAGGCTGATCCCCTAAGGAAACAGAGGGCTGAGCCAGCAGGTGGGGCACAGAT-3'
Protein context (NP_003473.3, residues 4138-4158): SVSLGDQPGS[Met4148Ile]TQNLLGPQQP